The following is an entry in ClinVar:

ClinVar aggregate classification (germline): Uncertain significance (1 of 4 stars; one submission).

Submission:

Labcorp Genetics (formerly Invitae), Labcorp
Classification: Uncertain significance. Last evaluated: 2024-06-09. Review status: criteria provided, single submitter. Criteria: Invitae Variant Classification Sherloc (09022015). Collection method: clinical testing. Allele origin: germline.
Comment: This sequence change replaces proline, which is neutral and non-polar, with arginine, which is basic and polar, at codon 384 of the KLF11 protein (p.Pro384Arg). This variant is present in population databases (no rsID available, gnomAD 0.003%). This variant has not been reported in the literature in individuals affected with KLF11-related conditions. An algorithm developed to predict the effect of missense changes on protein structure and function (PolyPhen-2) suggests that this variant is likely to be disruptive. In summary, the available evidence is currently insufficient to determine the role of this variant in disease. Therefore, it has been classified as a Variant of Uncertain Significance.

NM_003597.5(KLF11):c.1151C>G (p.Pro384Arg)

Gene: KLF11 (KLF transcription factor 11; plus strand). Cytogenetic location: 2p25.1.
Variant type: single nucleotide variant.
Coding change: c.1151C>G on transcript NM_003597.5 (MANE Select); coding-DNA position 1151, C replaced by G.
Protein change: p.Pro384Arg; replaces proline 384 with arginine.
Molecular consequence: missense variant.
Genome position (GRCh38, 1-based): chr2:10,048,488, C>G. VCF-style: chr2-10048488-C-G. GRCh37 (hg19) VCF-style: chr2-10188615-C-G.
Other names: c.1100C>G, p.Pro367Arg (NM_001177716.2, NM_001177718.2); short protein forms P367R, P384R.
Identifiers: ClinVar variation 3656015 (VCV003656015.2).